The following is an entry in ClinVar:

ClinVar aggregate classification (germline): Uncertain significance (1 of 4 stars; one submission).

Submission:

Labcorp Genetics (formerly Invitae), Labcorp
Classification: Uncertain significance. Last evaluated: 2020-12-10. Review status: criteria provided, single submitter. Criteria: Invitae Variant Classification Sherloc (09022015). Collection method: clinical testing. Allele origin: germline.
Comment: This variant has not been reported in the literature in individuals with TTPA-related conditions. The frequency data for this variant in the population databases is considered unreliable, as metrics indicate insufficient coverage at this position in the ExAC database. This sequence change replaces alanine with serine at codon 66 of the TTPA protein (p.Ala66Ser). The alanine residue is moderately conserved and there is a moderate physicochemical difference between alanine and serine. Algorithms developed to predict the effect of missense changes on protein structure and function are either unavailable or do not agree on the potential impact of this missense change (SIFT: "Deleterious"; PolyPhen-2: "Benign"; Align-GVGD: "Class C0"). In summary, the available evidence is currently insufficient to determine the role of this variant in disease. Therefore, it has been classified as a Variant of Uncertain Significance.

NM_000370.3(TTPA):c.196G>T (p.Ala66Ser)

Gene: TTPA (alpha tocopherol transfer protein; minus strand). Cytogenetic location: 8q12.3.
Variant type: single nucleotide variant.
Coding change: c.196G>T on transcript NM_000370.3 (MANE Select); coding-DNA position 196, G replaced by T.
Protein change: p.Ala66Ser; replaces alanine 66 with serine.
Molecular consequence: missense variant.
Genome position (GRCh38, 1-based): chr8:63,085,826, C>A on the plus strand (G>T on the coding strand, the complement: TTPA is on the minus strand). VCF-style: chr8-63085826-C-A. GRCh37 (hg19) VCF-style: chr8-63998385-C-A.
Other names: short protein forms A66S.
Identifiers: ClinVar variation 1524132 (VCV001524132.8), dbSNP rs2129795403, ClinGen allele CA371403363.